The following is an entry in ClinVar:

NM_001220.5(CAMK2B):c.980C>T (p.Ser327Phe)

Gene: CAMK2B (calcium/calmodulin dependent protein kinase II beta; minus strand). Cytogenetic location: 7p13.
Variant type: single nucleotide variant.
Coding change: c.980C>T on transcript NM_001220.5 (MANE Select); coding-DNA position 980, C replaced by T.
Protein change: p.Ser327Phe; replaces serine 327 with phenylalanine.
Molecular consequence: missense variant. On other transcripts: intron variant (5).
Genome position (GRCh38, 1-based): chr7:44,239,630, G>A on the plus strand (C>T on the coding strand, the complement: CAMK2B is on the minus strand). VCF-style: chr7-44239630-G-A. GRCh37 (hg19) VCF-style: chr7-44279229-G-A.
Other names: c.980C>T, p.Ser327Phe (NM_001293170.2, NM_172078.3, NM_172082.3); c.946+1077C>T (NM_172084.3, NM_172080.3, NM_172083.3 and 2 more transcripts); short protein forms S327F.
Identifiers: ClinVar variation 1721817 (VCV001721817.5), dbSNP rs1339440353, ClinGen allele CA367362311.

ClinVar aggregate classification (germline): Uncertain significance (1 of 4 stars; one submission).

Allele frequency attached by ClinVar (database versions not stated): gnomAD 0.00001; TOPMed 0.00001.
gnomAD v4.1: 1 of 1,547,602 alleles (0.000065%); highest among the groups gnomAD compares: African/African-American, 0.0014%; no homozygotes.

Submission:

Labcorp Genetics (formerly Invitae), Labcorp
Classification: Uncertain significance. Last evaluated: 2022-10-18. Review status: criteria provided, single submitter. Criteria: Invitae Variant Classification Sherloc (09022015). Collection method: clinical testing. Allele origin: germline.
Comment: In summary, the available evidence is currently insufficient to determine the role of this variant in disease. Therefore, it has been classified as a Variant of Uncertain Significance. Algorithms developed to predict the effect of missense changes on protein structure and function (SIFT, PolyPhen-2, Align-GVGD) all suggest that this variant is likely to be disruptive. This variant has not been reported in the literature in individuals affected with CAMK2B-related conditions. This variant is not present in population databases (gnomAD no frequency). This sequence change replaces serine, which is neutral and polar, with phenylalanine, which is neutral and non-polar, at codon 327 of the CAMK2B protein (p.Ser327Phe).